The following is an entry in ClinVar:

NM_144670.6(A2ML1):c.3503-2A>G

Gene: A2ML1 (alpha-2-macroglobulin like 1; plus strand). Cytogenetic location: 12p13.31.
Variant type: single nucleotide variant.
Coding change: c.3503-2A>G on transcript NM_144670.6 (MANE Select); the canonical splice acceptor site of the intron before coding-DNA position 3503, A replaced by G.
Molecular consequence: splice acceptor variant.
Genome position (GRCh38, 1-based): chr12:8,863,792, A>G. VCF-style: chr12-8863792-A-G. GRCh37 (hg19) VCF-style: chr12-9016388-A-G.
Other names: c.2030-2A>G (NM_001282424.3).
Identifiers: ClinVar variation 4699830 (VCV004699830.1).

ClinVar aggregate classification (germline): Uncertain significance (1 of 4 stars; one submission).

Submission:

Labcorp Genetics (formerly Invitae), Labcorp
Classification: Uncertain significance. Last evaluated: 2025-05-17. Review status: criteria provided, single submitter. Criteria: Invitae Variant Classification Sherloc (09022015). Collection method: clinical testing. Allele origin: germline.
Comment: This sequence change affects an acceptor splice site in intron 28 of the A2ML1 gene. It is expected to disrupt RNA splicing. Variants that disrupt the donor or acceptor splice site typically lead to a loss of protein function (PMID: 16199547), however the current clinical and genetic evidence is not sufficient to establish whether loss-of-function variants in A2ML1 cause disease. This variant is not present in population databases (gnomAD no frequency). This variant has not been reported in the literature in individuals affected with A2ML1-related conditions. Algorithms developed to predict the effect of sequence changes on RNA splicing suggest that this variant may disrupt the consensus splice site. In summary, the available evidence is currently insufficient to determine the role of this variant in disease. Therefore, it has been classified as a Variant of Uncertain Significance.

Literature cited by the submitters: PubMed 16199547.